The following is an entry in ClinVar:

NM_001195263.2(PDZD7):c.59G>A (p.Gly20Asp)

Gene: PDZD7 (PDZ domain containing 7; minus strand). Cytogenetic location: 10q24.31.
Variant type: single nucleotide variant.
Coding change: c.59G>A on transcript NM_001195263.2 (MANE Select); coding-DNA position 59, G replaced by A.
Protein change: p.Gly20Asp; replaces glycine 20 with aspartic acid.
Molecular consequence: missense variant.
Genome position (GRCh38, 1-based): chr10:101,030,161, C>T on the plus strand (G>A on the coding strand, the complement: PDZD7 is on the minus strand). VCF-style: chr10-101030161-C-T. GRCh37 (hg19) VCF-style: chr10-102789918-C-T.
Other names: c.59G>A, p.Gly20Asp (NM_001351044.2, NM_024895.5); short protein forms G20D.
Identifiers: ClinVar variation 1487732 (VCV001487732.5), dbSNP rs757934531, ClinGen allele CA5654516.

ClinVar aggregate classification (germline): Uncertain significance (1 of 4 stars; one submission).

Submission:

Labcorp Genetics (formerly Invitae), Labcorp
Classification: Uncertain significance. Last evaluated: 2021-08-31. Review status: criteria provided, single submitter. Criteria: Invitae Variant Classification Sherloc (09022015). Collection method: clinical testing. Allele origin: germline.
Comment: This sequence change replaces glycine with aspartic acid at codon 20 of the PDZD7 protein (p.Gly20Asp). The glycine residue is moderately conserved and there is a moderate physicochemical difference between glycine and aspartic acid. This variant is present in population databases (rs757934531, ExAC 0.006%). This variant has not been reported in the literature in individuals affected with PDZD7-related conditions. Algorithms developed to predict the effect of missense changes on protein structure and function are either unavailable or do not agree on the potential impact of this missense change (SIFT: "Deleterious"; PolyPhen-2: "Not Available"; Align-GVGD: "Class C0"). In summary, the available evidence is currently insufficient to determine the role of this variant in disease. Therefore, it has been classified as a Variant of Uncertain Significance.